The following is an entry in ClinVar:

ClinVar aggregate classification (germline): Benign (0 of 4 stars; one submission).

Conditions:
KALRN-related disorder. Also called: KALRN-related condition.

Allele frequency attached by ClinVar (database versions not stated): 1000 Genomes Project 0.08906; 1000 Genomes Project 30x 0.09603; ExAC 0.10605; gnomAD 0.11305; TOPMed 0.11544; gnomAD exomes 0.11695; ESP Exome Variant Server 0.13002.
gnomAD v4.1: 187,803 of 1,613,744 alleles (12%); highest among the groups gnomAD compares: African/African-American, 13%; 11,465 homozygotes.

Submission:

PreventionGenetics, part of Exact Sciences
Classification: Benign for KALRN-related condition. Last evaluated: 2019-10-28. Review status: no assertion criteria provided. Collection method: clinical testing. Allele origin: germline.
Comment: This variant is classified as benign based on ACMG/AMP sequence variant interpretation guidelines (Richards et al. 2015 PMID: 25741868, with internal and published modifications).

NM_001388419.1(KALRN):c.5754C>T (p.Asn1918=)

Gene: KALRN (kalirin RhoGEF kinase; plus strand). Cytogenetic location: 3q21.2.
Variant type: single nucleotide variant.
Coding change: c.5754C>T on transcript NM_001388419.1 (MANE Select); coding-DNA position 5754, C replaced by T.
Protein change: p.Asn1918=; no amino-acid change (asparagine 1918 retained).
Molecular consequence: synonymous variant.
Genome position (GRCh38, 1-based): chr3:124,650,897, C>T. VCF-style: chr3-124650897-C-T. GRCh37 (hg19) VCF-style: chr3-124369744-C-T.
Other names: c.5751C>T, p.Asn1917= (NM_001024660.5); c.5748C>T, p.Asn1916= (NM_001322988.2); c.660C>T, p.Asn220= (NM_001322993.2, NM_001322995.2, NM_001322996.2 and 1 more transcripts); c.657C>T, p.Asn219= (NM_001322994.2, NM_001322997.2); c.564C>T, p.Asn188= (NM_001322998.2, NM_001323000.2); c.561C>T, p.Asn187= (NM_001322999.2, NM_001323001.2); c.3828C>T, p.Asn1276= (NM_001388412.1).
Identifiers: ClinVar variation 3059855 (VCV003059855.2), dbSNP rs12106716, ClinGen allele CA2580570.
Genomic context (GRCh38, chr3:124,650,897, plus strand): 5'-CTTGAAAGACCCTGCAGGCTGCCTGAATGAGGGGATGGCCCCACCCACACCTCCTAAAAA[C>T]CCAGAAGAAGAACAGAAAGCCAAGGCCCTGAGAGGCAGGATGTAAGTGGCTTCCCCAGTT-3'
Protein context (NP_001375348.1, residues 1908-1928): EGMAPPTPPK[Asn1918=]PEEEQKAKAL